The following is an entry in ClinVar:

NM_002775.5(HTRA1):c.1425C>T (p.Pro475=)

Gene: HTRA1 (HtrA serine peptidase 1; plus strand). Cytogenetic location: 10q26.13.
Variant type: single nucleotide variant.
Coding change: c.1425C>T on transcript NM_002775.5 (MANE Select); coding-DNA position 1425, C replaced by T.
Protein change: p.Pro475=; no amino-acid change (proline 475 retained).
Molecular consequence: synonymous variant.
Genome position (GRCh38, 1-based): chr10:122,514,341, C>T. VCF-style: chr10-122514341-C-T. GRCh37 (hg19) VCF-style: chr10-124273857-C-T.
Identifiers: ClinVar variation 756342 (VCV000756342.30), dbSNP rs779158785, ClinGen allele CA5726177.

ClinVar aggregate classification (germline): Likely benign. Review status: criteria provided, multiple submitters, no conflicts (2 of 4 stars). 3 submissions from 3 submitters: Likely benign (3). Last evaluated 2024-03-01.

Allele frequency attached by ClinVar (database versions not stated): gnomAD 0.00001; TOPMed 0.00001; ExAC 0.00002.
gnomAD v4.1: 24 of 1,613,954 alleles (0.0015%); highest among the groups gnomAD compares: Admixed American, 0.005%; no homozygotes.

Submissions (3):

CeGaT Center for Human Genetics Tuebingen
Classification: Likely benign. Last evaluated: 2024-03-01. Review status: criteria provided, single submitter. Criteria: CeGaT Center For Human Genetics Tuebingen Variant Classification Criteria Version 2. Collection method: clinical testing. Allele origin: germline. Affected: yes. Observed: 1 variant allele.
Comment: HTRA1: BP4, BP7

Labcorp Genetics (formerly Invitae), Labcorp
Classification: Likely benign. Last evaluated: 2022-10-12. Review status: criteria provided, single submitter. Criteria: Invitae Variant Classification Sherloc (09022015). Collection method: clinical testing. Allele origin: germline.

Blueprint Genetics
Classification: Likely benign. Last evaluated: 2019-11-30. Review status: criteria provided, single submitter. Criteria: ACMG Guidelines, 2015. Collection method: clinical testing. Allele origin: germline.